The following is an entry in ClinVar:

ClinVar aggregate classification (germline): Likely benign. Review status: criteria provided, multiple submitters, no conflicts (2 of 4 stars). 3 submissions from 3 submitters: Likely benign (3). Last evaluated 2026-06-15.

Conditions:
Ehlers-Danlos syndrome, spondylodysplastic type, 3. Also called: Ehlers-Danlos syndrome, spondylocheirodysplastic type. Identifiers: Orphanet 157965, MedGen C2676510, MONDO:0012873, OMIM 612350.

Allele frequency attached by ClinVar (database versions not stated): gnomAD 0.00001 and 0.00002; TOPMed 0.00004; ExAC 0.00005; 1000 Genomes Project 0.00020; 1000 Genomes Project 30x 0.00031.
gnomAD v4.1: 57 of 1,611,472 alleles (0.0035%); highest among the groups gnomAD compares: Admixed American, 0.0067%; no homozygotes.

Submissions (3):

Women's Health and Genetics/Laboratory Corporation of America, LabCorp
Classification: Likely benign. Last evaluated: 2026-06-15. Review status: criteria provided, single submitter. Criteria: LabCorp Variant Classification Summary - May 2015. Collection method: clinical testing. Allele origin: germline.

CeGaT Center for Human Genetics Tuebingen
Classification: Likely benign. Last evaluated: 2026-01-01. Review status: criteria provided, single submitter. Criteria: CeGaT Center For Human Genetics Tuebingen Variant Classification Criteria Version 2. Collection method: clinical testing. Allele origin: germline. Affected: yes. Observed: 1 variant allele.
Comment: SLC39A13: BP4, BP7

Labcorp Genetics (formerly Invitae), Labcorp
Classification: Likely benign for Ehlers-Danlos syndrome, spondylodysplastic type, 3. Last evaluated: 2025-12-15. Review status: criteria provided, single submitter. Criteria: Invitae Variant Classification Sherloc (09022015). Collection method: clinical testing. Allele origin: germline.

NM_001128225.3(SLC39A13):c.399G>A (p.Thr133=)

Gene: SLC39A13 (solute carrier family 39 member 13; plus strand). Cytogenetic location: 11p11.2.
Variant type: single nucleotide variant.
Coding change: c.399G>A on transcript NM_001128225.3 (MANE Select); coding-DNA position 399, G replaced by A.
Protein change: p.Thr133=; no amino-acid change (threonine 133 retained).
Molecular consequence: synonymous variant. On other transcripts: non-coding transcript variant (1).
Genome position (GRCh38, 1-based): chr11:47,412,023, G>A. VCF-style: chr11-47412023-G-A. GRCh37 (hg19) VCF-style: chr11-47433574-G-A.
Other names: c.399G>A, p.Thr133= (NM_001330245.2, NM_152264.5).
Identifiers: ClinVar variation 1605423 (VCV001605423.13), dbSNP rs539165797, ClinGen allele CA5975753.